The following is an entry in ClinVar:

NM_000179.3(MSH6):c.3396T>C (p.Val1132=)

Gene: MSH6 (mutS homolog 6; plus strand). Cytogenetic location: 2p16.3.
Variant type: single nucleotide variant.
Coding change: c.3396T>C on transcript NM_000179.3 (MANE Select); coding-DNA position 3396, T replaced by C.
Protein change: p.Val1132=; no amino-acid change (valine 1132 retained).
Molecular consequence: synonymous variant. On other transcripts: non-coding transcript variant (5).
Genome position (GRCh38, 1-based): chr2:47,803,643, T>C. VCF-style: chr2-47803643-T-C. GRCh37 (hg19) VCF-style: chr2-48030782-T-C.
Other names: c.3006T>C, p.Val1002= (NM_001281492.2); c.2490T>C, p.Val830= (NM_001281493.2, NM_001281494.2, NM_001406811.1 and 6 more transcripts); c.3492T>C, p.Val1164= (NM_001406795.1, NM_001406802.1); c.3396T>C, p.Val1132= (NM_001406796.1, NM_001406800.1, NM_001406808.1 and 1 more transcripts); c.3099T>C, p.Val1033= (NM_001406797.1, NM_001406801.1, NM_001406805.1 and 10 more transcripts); c.3222T>C, p.Val1074= (NM_001406798.1); c.2871T>C, p.Val957= (NM_001406799.1, NM_001406806.1, NM_001406807.1); c.2532T>C, p.Val844= (NM_001406803.1); and 7 more.
Identifiers: ClinVar variation 3904004 (VCV003904004.1).

ClinVar aggregate classification (germline): Benign (1 of 4 stars; one submission).

Conditions:
Lynch syndrome 5 (LYNCH5). Also called: Colorectal cancer, hereditary nonpolyposis, type 5; Hereditary non-polyposis colorectal cancer, type 5. Identifiers: Orphanet 144, MedGen C1833477, MONDO:0013710, OMIM 614350. Disease mechanism: loss of function.

Submission:

Myriad Genetics, Inc.
Classification: Benign for Lynch syndrome 5. Last evaluated: 2025-01-06. Review status: criteria provided, single submitter. Criteria: Myriad Autosomal Dominant, Autosomal Recessive and X-Linked Classification Criteria (2023). Collection method: clinical testing. Allele origin: unknown.
Comment: This variant is considered benign. This variant is a silent/synonymous amino acid change and it is not expected to impact splicing.